The following is an entry in ClinVar:

NM_000384.3(APOB):c.10538T>C (p.Ile3513Thr)

Gene: APOB (apolipoprotein B; minus strand). Cytogenetic location: 2p24.1.
Variant type: single nucleotide variant.
Coding change: c.10538T>C on transcript NM_000384.3 (MANE Select); coding-DNA position 10538, T replaced by C.
Protein change: p.Ile3513Thr; replaces isoleucine 3513 with threonine.
Molecular consequence: missense variant.
Genome position (GRCh38, 1-based): chr2:21,006,330, A>G on the plus strand (T>C on the coding strand, the complement: APOB is on the minus strand). VCF-style: chr2-21006330-A-G. GRCh37 (hg19) VCF-style: chr2-21229202-A-G.
Other names: short protein forms I3513T.
Identifiers: ClinVar variation 4829657 (VCV004829657.1).

ClinVar aggregate classification (germline): Uncertain significance (1 of 4 stars; one submission).

Conditions:
Cardiovascular phenotype. Identifiers: MedGen CN230736.

gnomAD v4.1: 8 of 1,613,972 alleles (0.0005%); highest among the groups gnomAD compares: Non-Finnish European, 0.00068%; no homozygotes.

Submission:

Ambry Genetics
Classification: Uncertain significance for Cardiovascular phenotype. Last evaluated: 2025-12-16. Review status: criteria provided, single submitter. Criteria: Ambry Variant Classification Scheme 2023. Collection method: clinical testing. Allele origin: germline.
Comment: The p.I3513T variant (also known as c.10538T>C), located in coding exon 26 of the APOB gene, results from a T to C substitution at nucleotide position 10538. The isoleucine at codon 3513 is replaced by threonine, an amino acid with similar properties. This amino acid position is conserved. In addition, this alteration is predicted to be tolerated by in silico analysis. Based on the available evidence, the clinical significance of this variant remains unclear.